The following is an entry in ClinVar:

NM_001371596.2(MFSD8):c.457dup (p.Arg153fs)

Gene: MFSD8 (major facilitator superfamily domain containing 8; minus strand). Cytogenetic location: 4q28.2.
Variant type: Duplication.
Coding change: c.457dup on transcript NM_001371596.2 (MANE Select); coding-DNA position 457, one base duplicated (A; older notation c.457dupA).
Protein change: p.Arg153fs; shifts the reading frame from arginine 153.
Molecular consequence: frameshift variant. On other transcripts: intron variant (4).
Genome position (GRCh38, 1-based): chr4:127,942,141, T duplicated on the plus strand (A on the coding strand, the reverse complement: MFSD8 is on the minus strand). VCF-style (leftmost placement, unchanged base first): chr4-127942140-C-CT. GRCh37 (hg19) VCF-style: chr4-128863295-C-CT.
Other names: c.439+1611dup (NM_001363521.3, NM_001410766.1, NM_001371593.2); c.457dup, p.Arg153fs (NM_001363520.3, NM_001371591.2, NM_001371592.2 and 3 more transcripts); c.322dup, p.Arg108fs (NM_001371590.2, NM_001371595.1); c.304+1611dup (NM_001410765.1); short protein forms R108fs, R153fs.
Identifiers: ClinVar variation 4855502 (VCV004855502.1).
Genomic context (GRCh38, chr4:127,942,140, plus strand): 5'-CTTATGTTTGCCATGGAACTTGTTCTTTCCTGAAGGGAAGTAGCACCAGCAGTATATGAT[C>CT]TAACAACTGCTACATTTCCTTAAAAACAAGACACAATAATCCAAAGTAAAAGAAAGTATC-3'

ClinVar aggregate classification (germline): Likely pathogenic (1 of 4 stars; one submission).

Conditions:
Neuronal ceroid lipofuscinosis 7 (CLN7). Also called: MFSD8-Related Neuronal Ceroid-Lipofuscinosis. Identifiers: Orphanet 168491, Orphanet 228366, MedGen C1838571, MONDO:0012588, OMIM 610951.

Submission:

3billion
Classification: Likely pathogenic for Neuronal ceroid lipofuscinosis 7. Last evaluated: 2025-05-23. Review status: criteria provided, single submitter. Criteria: ACMG Guidelines, 2015. Collection method: clinical testing. Allele origin: germline. Affected: yes.
Comment: The variant is not observed in the gnomAD v4.1.0 dataset. Predicted Consequence/Location: Frameshift: predicted to result in a loss or disruption of normal protein function through nonsense-mediated decay (NMD) or protein truncation. Multiple pathogenic variants are reported downstream of the variant. Therefore, this variant is classified as Likely pathogenic according to the recommendation of ACMG/AMP guideline.